The following is an entry in ClinVar:

ClinVar aggregate classification (germline): Uncertain significance (1 of 4 stars; one submission).

Allele frequency attached by ClinVar (database versions not stated): gnomAD exomes below 0.00001.
gnomAD v4.1: 1 of 1,614,088 alleles (0.000062%); highest among the groups gnomAD compares: Non-Finnish European, 0.000085%; no homozygotes.

Submission:

Labcorp Genetics (formerly Invitae), Labcorp
Classification: Uncertain significance. Last evaluated: 2024-10-22. Review status: criteria provided, single submitter. Criteria: Invitae Variant Classification Sherloc (09022015). Collection method: clinical testing. Allele origin: germline.
Comment: This sequence change replaces arginine, which is basic and polar, with glutamine, which is neutral and polar, at codon 243 of the CACNA1D protein (p.Arg243Gln). This variant is not present in population databases (gnomAD no frequency). This variant has not been reported in the literature in individuals affected with CACNA1D-related conditions. Invitae Evidence Modeling of protein sequence and biophysical properties (such as structural, functional, and spatial information, amino acid conservation, physicochemical variation, residue mobility, and thermodynamic stability) indicates that this missense variant is expected to disrupt CACNA1D protein function with a positive predictive value of 80%. In summary, the available evidence is currently insufficient to determine the role of this variant in disease. Therefore, it has been classified as a Variant of Uncertain Significance.

NM_001128840.3(CACNA1D):c.728G>A (p.Arg243Gln)

Gene: CACNA1D (calcium voltage-gated channel subunit alpha1 D; plus strand). Cytogenetic location: 3p21.1.
Variant type: single nucleotide variant.
Coding change: c.728G>A on transcript NM_001128840.3 (MANE Select); coding-DNA position 728, G replaced by A.
Protein change: p.Arg243Gln; replaces arginine 243 with glutamine.
Molecular consequence: missense variant.
Genome position (GRCh38, 1-based): chr3:53,660,237, G>A. VCF-style: chr3-53660237-G-A. GRCh37 (hg19) VCF-style: chr3-53694264-G-A.
Other names: c.728G>A, p.Arg243Gln (NM_000720.4, NM_001128839.3); short protein forms R243Q.
Identifiers: ClinVar variation 2809335 (VCV002809335.3), dbSNP rs2472957501, ClinGen allele CA353382676.
Genomic context (GRCh38, chr3:53,660,237, plus strand): 5'-GCGGGAACCACTCAAGCGGCAAATCTGGAGGCTTTGATGTCAAAGCCCTCCGTGCCTTTC[G>A]AGTGTTGCGACCACTTCGACTAGTGTCAGGAGTGCCCAGTAAGCACTTATTGTTTCCTAG-3'
Protein context (NP_001122312.1, residues 233-253): GFDVKALRAF[Arg243Gln]VLRPLRLVSG